The following is an entry in ClinVar:

NM_004813.4(PEX16):c.196C>T (p.Arg66Trp)

Gene: PEX16 (peroxisomal biogenesis factor 16; minus strand). Cytogenetic location: 11p11.2.
Variant type: single nucleotide variant.
Coding change: c.196C>T on transcript NM_004813.4 (MANE Select); coding-DNA position 196, C replaced by T.
Protein change: p.Arg66Trp; replaces arginine 66 with tryptophan.
Molecular consequence: missense variant.
Genome position (GRCh38, 1-based): chr11:45,916,256, G>A on the plus strand (C>T on the coding strand, the complement: PEX16 is on the minus strand). VCF-style: chr11-45916256-G-A. GRCh37 (hg19) VCF-style: chr11-45937807-G-A.
Other names: c.196C>T, p.Arg66Trp (NM_057174.3); short protein forms R66W.
Identifiers: ClinVar variation 934274 (VCV000934274.5), dbSNP rs767624302, ClinGen allele CA5960065.

ClinVar aggregate classification (germline): Uncertain significance (1 of 4 stars; one submission).

Conditions:
Peroxisome biogenesis disorder. Identifiers: Orphanet 79189, MedGen C1832200, MONDO:0019234. Disease mechanism: loss of function.

Allele frequency attached by ClinVar (database versions not stated): ExAC 0.00007; gnomAD exomes 0.00007 and 0.00012; TOPMed 0.00007; gnomAD 0.00015 and 0.00017.
gnomAD v4.1: 124 of 1,613,742 alleles (0.0077%); highest among the groups gnomAD compares: Admixed American, 0.028%; no homozygotes.

Submission:

Labcorp Genetics (formerly Invitae), Labcorp
Classification: Uncertain significance for Peroxisome biogenesis disorder. Last evaluated: 2022-08-12. Review status: criteria provided, single submitter. Criteria: Invitae Variant Classification Sherloc (09022015). Collection method: clinical testing. Allele origin: germline.
Comment: This sequence change replaces arginine, which is basic and polar, with tryptophan, which is neutral and slightly polar, at codon 66 of the PEX16 protein (p.Arg66Trp). This variant is present in population databases (rs767624302, gnomAD 0.05%). This variant has not been reported in the literature in individuals affected with PEX16-related conditions. ClinVar contains an entry for this variant (Variation ID: 934274). Algorithms developed to predict the effect of missense changes on protein structure and function are either unavailable or do not agree on the potential impact of this missense change (SIFT: "Deleterious"; PolyPhen-2: "Probably Damaging"; Align-GVGD: "Class C0"). In summary, the available evidence is currently insufficient to determine the role of this variant in disease. Therefore, it has been classified as a Variant of Uncertain Significance.